The following is an entry in ClinVar:

NM_053025.4(MYLK):c.5513C>T (p.Pro1838Leu)

Genes: MYLK (myosin light chain kinase; minus strand), MYLK-AS1 (MYLK antisense RNA 1; plus strand). Cytogenetic location: 3q21.1.
Variant type: single nucleotide variant.
Coding change: c.5513C>T on transcript NM_053025.4 (MANE Select); coding-DNA position 5513, C replaced by T.
Protein change: p.Pro1838Leu; replaces proline 1838 with leucine.
Molecular consequence: missense variant.
Genome position (GRCh38, 1-based): chr3:123,614,337, G>A on the plus strand (C>T on the coding strand, the complement: MYLK is on the minus strand). VCF-style: chr3-123614337-G-A. GRCh37 (hg19) VCF-style: chr3-123333184-G-A.
Other names: c.4985C>T, p.Pro1662Leu (NM_001321309.2); c.5306C>T, p.Pro1769Leu (NM_053026.4); c.5360C>T, p.Pro1787Leu (NM_053027.4); c.5153C>T, p.Pro1718Leu (NM_053028.4); c.230C>T, p.Pro77Leu (NM_053031.4); c.233C>T, p.Pro78Leu (NM_053032.4); short protein forms P1662L, P1718L, P1787L, P1838L, P1769L, P77L, P78L.
Identifiers: ClinVar variation 1748050 (VCV001748050.2), dbSNP rs2472734953, ClinGen allele CA354229674.
Genomic context (GRCh38, chr3:123,614,337, plus strand): 5'-TCTATCTGGAAGTGGCGGGACTCCCTGATTGACTGGTCATCTTTGAACCAGACAACCTCG[G>A]GGTCTGGGTATCCTGCATCACAGGGAGAGAACACAAGTTGCAGGAACTGTTATTCAAAAT-3'
Protein context (NP_444253.3, residues 1828-1848): FDCKIEGYPD[Pro1838Leu]EVVWFKDDQS

ClinVar aggregate classification (germline): Uncertain significance (1 of 4 stars; one submission).

Conditions:
Familial thoracic aortic aneurysm and aortic dissection (TAAD). Also called: Thoracic aortic aneurysms and dissections. Identifiers: Orphanet 91387, MedGen C4707243, MONDO:0019625.

Submission:

Ambry Genetics
Classification: Uncertain significance for Familial thoracic aortic aneurysm and aortic dissection. Last evaluated: 2022-10-17. Review status: criteria provided, single submitter. Criteria: Ambry Variant Classification Scheme 2023. Collection method: clinical testing. Allele origin: germline.
Comment: The p.P1838L variant (also known as c.5513C>T), located in coding exon 31 of the MYLK gene, results from a C to T substitution at nucleotide position 5513. The proline at codon 1838 is replaced by leucine, an amino acid with similar properties. This amino acid position is conserved. In addition, this alteration is predicted to be deleterious by in silico analysis. Since supporting evidence is limited at this time, the clinical significance of this alteration remains unclear.